The following is an entry in ClinVar:

ClinVar aggregate classification (germline): Pathogenic. Review status: criteria provided, multiple submitters, no conflicts (2 of 4 stars). 2 submissions from 2 submitters: Pathogenic (2). Last evaluated 2023-08-09.

Conditions:
Fucosidosis. Also called: ALPHA-L-FUCOSIDASE DEFICIENCY. Identifiers: Orphanet 349, MedGen C0016788, MONDO:0009254, OMIM 230000.

Allele frequency attached by ClinVar (database versions not stated): TOPMed 0.00002.
gnomAD v4.1: 2 of 1,611,948 alleles (0.00012%); highest among the groups gnomAD compares: Non-Finnish European, 0.00017%; no homozygotes.

Submissions (2):

Women's Health and Genetics/Laboratory Corporation of America, LabCorp
Classification: Pathogenic for Fucosidosis. Last evaluated: 2023-08-09. Review status: criteria provided, single submitter. Criteria: LabCorp Variant Classification Summary - May 2015. Collection method: clinical testing. Allele origin: germline.
Comment: Variant summary: FUCA1 c.194G>A (p.Gly65Asp) results in a non-conservative amino acid change in the encoded protein sequence. Five of five in-silico tools predict a damaging effect of the variant on protein function. The variant was absent in 240954 control chromosomes (gnomAD). c.194G>A (also known as G60D) has been reported in the literature in two homozygous individuals affected with Fucosidosis with negligible enzyme activity (example: Seo_1993). These data indicate that the variant is likely to be associated with disease. The following publication has been ascertained in the context of this evaluation (PMID: 8504303). One submitter has cited clinical-significance assessments for this variant to ClinVar after 2014 and has classified the variant as pathogenic. Based on the evidence outlined above, the variant was classified as pathogenic.

Labcorp Genetics (formerly Invitae), Labcorp
Classification: Pathogenic for Fucosidosis. Last evaluated: 2023-06-23. Review status: criteria provided, single submitter. Criteria: Invitae Variant Classification Sherloc (09022015). Collection method: clinical testing. Allele origin: germline.
Comment: For these reasons, this variant has been classified as Pathogenic. Advanced modeling of protein sequence and biophysical properties (such as structural, functional, and spatial information, amino acid conservation, physicochemical variation, residue mobility, and thermodynamic stability) performed at Invitae indicates that this missense variant is expected to disrupt FUCA1 protein function. ClinVar contains an entry for this variant (Variation ID: 2202729). This variant is also known as G60D. This missense change has been observed in individual(s) with fucosidosis (PMID: 8504303). This variant is not present in population databases (gnomAD no frequency). This sequence change replaces glycine, which is neutral and non-polar, with aspartic acid, which is acidic and polar, at codon 65 of the FUCA1 protein (p.Gly65Asp).

Literature cited by the submitters: PubMed 8504303 (cited by Women's Health and Genetics/Laboratory Corporation of America, LabCorp and Labcorp Genetics (formerly Invitae), Labcorp).

NM_000147.5(FUCA1):c.194G>A (p.Gly65Asp)

Gene: FUCA1 (alpha-L-fucosidase 1; minus strand). Cytogenetic location: 1p36.11.
Variant type: single nucleotide variant.
Coding change: c.194G>A on transcript NM_000147.5 (MANE Select); coding-DNA position 194, G replaced by A.
Protein change: p.Gly65Asp; replaces glycine 65 with aspartic acid.
Molecular consequence: missense variant. On other transcripts: non-coding transcript variant (4).
Genome position (GRCh38, 1-based): chr1:23,868,093, C>T on the plus strand (G>A on the coding strand, the complement: FUCA1 is on the minus strand). VCF-style: chr1-23868093-C-T. GRCh37 (hg19) VCF-style: chr1-24194583-C-T.
Other names: c.194G>A (NM_000147.4); short protein forms G65D.
Identifiers: ClinVar variation 2202729 (VCV002202729.5), dbSNP rs1353778985, ClinGen allele CA339009886.
Genomic context (GRCh38, chr1:23,868,093, plus strand): 5'-CCCTCGCCCTGCCAGTGCCACCAGAACCACTCGCTGCCCCAGGCGGGCACCGAGAACACG[C>T]CCCAGTGGATGAACACCCCGAACTTGGCTTCGTCGAACCAGGCCGGCAGCGGCCGAGAAT-3'
Protein context (NP_000138.2, residues 55-75): EAKFGVFIHW[Gly65Asp]VFSVPAWGSE